The following is an entry in ClinVar:

ClinVar aggregate classification (germline): Likely benign. Review status: criteria provided, multiple submitters, no conflicts (2 of 4 stars). 2 submissions from 2 submitters: Likely benign (2). Last evaluated 2025-08-24.

Conditions:
Myopathy, centronuclear, 2 (CNM2). Also called: MYOTUBULAR MYOPATHY, AUTOSOMAL RECESSIVE. Identifiers: Orphanet 169186, MedGen CN031787, MONDO:0009709, OMIM 255200.

Allele frequency attached by ClinVar (database versions not stated): 1000 Genomes Project 30x 0.00016; gnomAD 0.00002 and 0.00001; TOPMed 0.00002; ESP Exome Variant Server 0.00008; 1000 Genomes Project 0.00020; gnomAD exomes 0.00001 and 0.00002; ExAC 0.00002.
gnomAD v4.1: 29 of 1,613,034 alleles (0.0018%); highest among the groups gnomAD compares: Middle Eastern, 0.017%; no homozygotes.

Submissions (2):

Labcorp Genetics (formerly Invitae), Labcorp
Classification: Likely benign for Myopathy, centronuclear, 2. Last evaluated: 2025-08-24. Review status: criteria provided, single submitter. Criteria: Invitae Variant Classification Sherloc (09022015). Collection method: clinical testing. Allele origin: germline.

GeneDx
Classification: Likely benign. Last evaluated: 2018-02-05. Review status: criteria provided, single submitter. Criteria: GeneDx Variant Classification (06012015). Collection method: clinical testing. Allele origin: germline. Affected: yes.
Comment: This variant is considered likely benign or benign based on one or more of the following criteria: it is a conservative change, it occurs at a poorly conserved position in the protein, it is predicted to be benign by multiple in silico algorithms, and/or has population frequency not consistent with disease.

NM_139343.3(BIN1):c.698+14C>T

Gene: BIN1 (bridging integrator 1; minus strand). Cytogenetic location: 2q14.3.
Variant type: single nucleotide variant.
Coding change: c.698+14C>T on transcript NM_139343.3 (MANE Select); 14 bases into the intron after coding-DNA position 698, C replaced by T.
Molecular consequence: intron variant.
Genome position (GRCh38, 1-based): chr2:127,063,919, G>A on the plus strand (C>T on the coding strand, the complement: BIN1 is on the minus strand). VCF-style: chr2-127063919-G-A. GRCh37 (hg19) VCF-style: chr2-127821495-G-A.
Other names: c.617+14C>T (NM_001320642.1); c.533+14C>T (NM_001320634.1); c.605+14C>T (NM_139351.3, NM_139350.3, NM_139349.3 and 6 more transcripts); c.698+14C>T (NM_001320633.2, NM_139345.3, NM_139344.3 and 1 more transcripts).
Identifiers: ClinVar variation 515173 (VCV000515173.9), dbSNP rs376710764, ClinGen allele CA1857385.
Genomic context (GRCh38, chr2:127,063,919, plus strand): 5'-GCACGCAGACTGGGCACCGCAGCACGCAGACTGGACACTGCCCCACGCAGGCTGGGCACC[G>A]TGCTGGGCCTCACCTGTTCCACAGGGACGGCAGCTCCTCCTGCAGATCCACATTCATCTC-3'